The following is an entry in ClinVar:

ClinVar aggregate classification (germline): Uncertain significance (1 of 4 stars; one submission).

Conditions:
Marfan syndrome (MFS). Also called: MARFAN SYNDROME, TYPE I; Marfan syndrome type 1; Marfan's syndrome; Marfan syndrome, classic; FBN1-Related Marfan Syndrome. Identifiers: Orphanet 284963, Orphanet 558, MedGen C0024796, MONDO:0007947, OMIM 154700.

Allele frequency attached by ClinVar (database versions not stated): gnomAD exomes below 0.00001; gnomAD 0.00001; TOPMed below 0.00001.
gnomAD v4.1: 2 of 1,613,708 alleles (0.00012%); highest among the groups gnomAD compares: African/African-American, 0.0013%; no homozygotes.

Submission:

All of Us Research Program, National Institutes of Health
Classification: Uncertain significance for Marfan syndrome. Last evaluated: 2023-05-16. Review status: criteria provided, single submitter. Criteria: ACMG Guidelines, 2015. Collection method: clinical testing. Allele origin: germline. Inheritance: Autosomal dominant inheritance. Observed: 1 variant allele, 1 heterozygote.
Comment: This variant causes an A to G nucleotide substitution at the +3 position of intron 21 of the FBN1 gene. Splice site prediction tools predict that this variant may have a significant impact on RNA splicing. To our knowledge, functional RNA studies have not been reported for this variant. This variant has not been reported in individuals affected with FBN1-related disorders in the literature. This variant has not been identified in the general population by the Genome Aggregation Database (gnomAD). The available evidence is insufficient to determine the role of this variant in disease conclusively. Therefore, this variant is classified as a Variant of Uncertain Significance.

This study involves interpretation of variants in research participants for the purpose of population health screening. Participant phenotype was not available at the time of variant classification. Additional details can be found in publication PMID: 35346344, PMCID: PMC8962531

NM_000138.5(FBN1):c.2539+3A>G

Gene: FBN1 (fibrillin 1; minus strand). Cytogenetic location: 15q21.1.
Variant type: single nucleotide variant.
Coding change: c.2539+3A>G on transcript NM_000138.5 (MANE Select); 3 bases into the intron after coding-DNA position 2539, A replaced by G.
Molecular consequence: intron variant.
Genome position (GRCh38, 1-based): chr15:48,495,466, T>C on the plus strand (A>G on the coding strand, the complement: FBN1 is on the minus strand). VCF-style: chr15-48495466-T-C. GRCh37 (hg19) VCF-style: chr15-48787663-T-C.
Other names: c.2539+3A>G (NM_001406716.1).
Identifiers: ClinVar variation 3071046 (VCV003071046.1), dbSNP rs1259478194, ClinGen allele CA713393558.